The following is an entry in ClinVar:

ClinVar aggregate classification (germline): Uncertain significance (1 of 4 stars; one submission).

Conditions:
Neurofibromatosis, type 1 (NF1). Also called: Peripheral type neurofibromatosis; VON RECKLINGHAUSEN DISEASE; NEUROFIBROMATOSIS, TYPE I, SOMATIC; Neurofibromatosis, type I. Identifiers: Orphanet 636, MedGen C0027831, MONDO:0018975, OMIM 162200. Disease mechanism: loss of function.

Submission:

Labcorp Genetics (formerly Invitae), Labcorp
Classification: Uncertain significance for Neurofibromatosis, type 1. Last evaluated: 2022-07-22. Review status: criteria provided, single submitter. Criteria: Invitae Variant Classification Sherloc (09022015). Collection method: clinical testing. Allele origin: germline.
Comment: This sequence change replaces glutamine, which is neutral and polar, with glutamic acid, which is acidic and polar, at codon 1596 of the NF1 protein (p.Gln1596Glu). In summary, the available evidence is currently insufficient to determine the role of this variant in disease. Therefore, it has been classified as a Variant of Uncertain Significance. Advanced modeling of protein sequence and biophysical properties (such as structural, functional, and spatial information, amino acid conservation, physicochemical variation, residue mobility, and thermodynamic stability) performed at Invitae indicates that this missense variant is not expected to disrupt NF1 protein function. This variant has not been reported in the literature in individuals affected with NF1-related conditions. This variant is not present in population databases (gnomAD no frequency).

NM_001042492.3(NF1):c.4849C>G (p.Gln1617Glu)

Gene: NF1 (neurofibromin 1; plus strand). Cytogenetic location: 17q11.2.
Variant type: single nucleotide variant.
Coding change: c.4849C>G on transcript NM_001042492.3 (MANE Select); coding-DNA position 4849, C replaced by G.
Protein change: p.Gln1617Glu; replaces glutamine 1617 with glutamic acid.
Molecular consequence: missense variant.
Genome position (GRCh38, 1-based): chr17:31,325,833, C>G. VCF-style: chr17-31325833-C-G. GRCh37 (hg19) VCF-style: chr17-29652851-C-G.
Other names: c.4786C>G, p.Gln1596Glu (NM_000267.4); short protein forms Q1596E, Q1617E.
Identifiers: ClinVar variation 1713307 (VCV001713307.5), dbSNP rs2069325477, ClinGen allele CA399006904.